The following is an entry in ClinVar:

NM_000260.4(MYO7A):c.383G>A (p.Gly128Glu)

Gene: MYO7A (myosin VIIA; plus strand). Cytogenetic location: 11q13.5.
Variant type: single nucleotide variant.
Coding change: c.383G>A on transcript NM_000260.4 (MANE Select); coding-DNA position 383, G replaced by A.
Protein change: p.Gly128Glu; replaces glycine 128 with glutamic acid.
Molecular consequence: missense variant.
Genome position (GRCh38, 1-based): chr11:77,156,004, G>A. VCF-style: chr11-77156004-G-A. GRCh37 (hg19) VCF-style: chr11-76867050-G-A.
Other names: c.383G>A, p.Gly128Glu (NM_001127180.2); c.350G>A, p.Gly117Glu (NM_001369365.1); short protein forms G117E, G128E.
Identifiers: ClinVar variation 4760338 (VCV004760338.1).

ClinVar aggregate classification (germline): Uncertain significance (1 of 4 stars; one submission).

gnomAD v4.1: 14 of 1,613,862 alleles (0.00087%); highest among the groups gnomAD compares: Non-Finnish European, 0.0011%; no homozygotes.

Submission:

Labcorp Genetics (formerly Invitae), Labcorp
Classification: Uncertain significance. Last evaluated: 2025-10-08. Review status: criteria provided, single submitter. Criteria: Invitae Variant Classification Sherloc (09022015). Collection method: clinical testing. Allele origin: germline.
Comment: This sequence change replaces glycine, which is neutral and non-polar, with glutamic acid, which is acidic and polar, at codon 128 of the MYO7A protein (p.Gly128Glu). This variant is present in population databases (no rsID available, gnomAD 0.0009%). This variant has not been reported in the literature in individuals affected with MYO7A-related conditions. Invitae Evidence Modeling of protein sequence and biophysical properties (such as structural, functional, and spatial information, amino acid conservation, physicochemical variation, residue mobility, and thermodynamic stability) indicates that this missense variant is not expected to disrupt MYO7A protein function with a negative predictive value of 95%. In summary, the available evidence is currently insufficient to determine the role of this variant in disease. Therefore, it has been classified as a Variant of Uncertain Significance.